The following is an entry in ClinVar:

ClinVar aggregate classification (germline): Uncertain significance (1 of 4 stars; one submission).

Conditions:
Rubinstein-Taybi syndrome (RSTS). Identifiers: Orphanet 783, MedGen C0035934, MONDO:0019188.

Submission:

Labcorp Genetics (formerly Invitae), Labcorp
Classification: Uncertain significance for Rubinstein-Taybi syndrome. Last evaluated: 2025-02-06. Review status: criteria provided, single submitter. Criteria: Invitae Variant Classification Sherloc (09022015). Collection method: clinical testing. Allele origin: germline.
Comment: This sequence change replaces valine, which is neutral and non-polar, with methionine, which is neutral and non-polar, at codon 1722 of the CREBBP protein (p.Val1722Met). This variant is not present in population databases (gnomAD no frequency). This variant has not been reported in the literature in individuals affected with CREBBP-related conditions. Invitae Evidence Modeling of protein sequence and biophysical properties (such as structural, functional, and spatial information, amino acid conservation, physicochemical variation, residue mobility, and thermodynamic stability) indicates that this missense variant is expected to disrupt CREBBP protein function with a positive predictive value of 80%. In summary, the available evidence is currently insufficient to determine the role of this variant in disease. Therefore, it has been classified as a Variant of Uncertain Significance.

NM_004380.3(CREBBP):c.5164G>A (p.Val1722Met)

Gene: CREBBP (CREB binding lysine acetyltransferase; minus strand). Cytogenetic location: 16p13.3.
Variant type: single nucleotide variant.
Coding change: c.5164G>A on transcript NM_004380.3 (MANE Select); coding-DNA position 5164, G replaced by A.
Protein change: p.Val1722Met; replaces valine 1722 with methionine.
Molecular consequence: missense variant.
Genome position (GRCh38, 1-based): chr16:3,731,200, C>T on the plus strand (G>A on the coding strand, the complement: CREBBP is on the minus strand). VCF-style: chr16-3731200-C-T. GRCh37 (hg19) VCF-style: chr16-3781201-C-T.
Other names: c.5050G>A, p.Val1684Met (NM_001079846.1); short protein forms V1684M, V1722M.
Identifiers: ClinVar variation 4719516 (VCV004719516.1).